The following is an entry in ClinVar:

ClinVar aggregate classification (germline): Uncertain significance (1 of 4 stars; one submission).

Conditions:
Inborn genetic diseases. Identifiers: MedGen C0950123, MeSH D030342.

Submission:

Ambry Genetics
Classification: Uncertain significance for Inborn genetic diseases. Last evaluated: 2024-01-30. Review status: criteria provided, single submitter. Criteria: Ambry Variant Classification Scheme 2023. Collection method: clinical testing. Allele origin: germline.
Comment: The p.V366A variant (also known as c.1097T>C), located in coding exon 9 of the LRRK2 gene, results from a T to C substitution at nucleotide position 1097. The valine at codon 366 is replaced by alanine, an amino acid with similar properties. This amino acid position is conserved. In addition, the in silico prediction for this alteration is inconclusive. Based on the available evidence, the clinical significance of this alteration remains unclear.

NM_198578.4(LRRK2):c.1097T>C (p.Val366Ala)

Gene: LRRK2 (leucine rich repeat kinase 2; plus strand). Cytogenetic location: 12q12.
Variant type: single nucleotide variant.
Coding change: c.1097T>C on transcript NM_198578.4 (MANE Select); coding-DNA position 1097, T replaced by C.
Protein change: p.Val366Ala; replaces valine 366 with alanine.
Molecular consequence: missense variant.
Genome position (GRCh38, 1-based): chr12:40,251,370, T>C. VCF-style: chr12-40251370-T-C. GRCh37 (hg19) VCF-style: chr12-40645172-T-C.
Other names: short protein forms V366A.
Identifiers: ClinVar variation 3229498 (VCV003229498.1), dbSNP rs2499504161, ClinGen allele CA384408008.